The following is an entry in ClinVar:

ClinVar aggregate classification (germline): Pathogenic (1 of 4 stars; one submission).

Conditions:
Familial cancer of breast. Also called: BREAST CANCER, FAMILIAL; Hereditary breast cancer; hereditary breast carcinoma. Identifiers: Orphanet 227535, MedGen C0346153, MONDO:0016419, OMIM 114480. Disease mechanism: loss of function.

Submission:

Labcorp Genetics (formerly Invitae), Labcorp
Classification: Pathogenic for Familial cancer of breast. Last evaluated: 2022-10-20. Review status: criteria provided, single submitter. Criteria: Invitae Variant Classification Sherloc (09022015). Collection method: clinical testing. Allele origin: germline.
Comment: This variant is a gross deletion of the genomic region encompassing exon(s) 1 of the BARD1 gene, which includes the initiator codon. This deletion extends beyond the assayed region for this gene and therefore may encompass additional genes. It is expected to result in an absent or disrupted protein product. Loss-of-function variants in BARD1 are known to be pathogenic (PMID: 20077502, 21344236). This variant has not been reported in the literature in individuals affected with BARD1-related conditions. For these reasons, this variant has been classified as Pathogenic.

Literature cited by the submitters: PubMed 20077502; PubMed 21344236.

NC_000002.12:g.(?_214809402)_(214809569_?)del

Gene: BARD1 (BRCA1 associated RING domain 1; minus strand). Cytogenetic location: 2q35.
Variant type: Deletion.
Identifiers: ClinVar variation 831547 (VCV000831547.3).